The following is an entry in ClinVar:

NM_000254.3(MTR):c.1174G>A (p.Ala392Thr)

Gene: MTR (5-methyltetrahydrofolate-homocysteine methyltransferase; plus strand). Cytogenetic location: 1q43.
Variant type: single nucleotide variant.
Coding change: c.1174G>A on transcript NM_000254.3 (MANE Select); coding-DNA position 1174, G replaced by A.
Protein change: p.Ala392Thr; replaces alanine 392 with threonine.
Molecular consequence: missense variant. On other transcripts: intron variant (1).
Genome position (GRCh38, 1-based): chr1:236,832,064, G>A. VCF-style: chr1-236832064-G-A. GRCh37 (hg19) VCF-style: chr1-236995364-G-A.
Other names: c.1174G>A, p.Ala392Thr (NM_001291939.1, NM_001410942.1); c.-34+2796G>A (NM_001291940.2); short protein forms A392T.
Identifiers: ClinVar variation 1715562 (VCV001715562.3), dbSNP rs2528032484, ClinGen allele CA345392956.
Genomic context (GRCh38, chr1:236,832,064, plus strand): 5'-GTTAACATTGGAGAGCGCTGTAATGTTGCAGGATCAAGGAAGTTTGCTAAACTCATCATG[G>A]CAGGAAACTATGAAGTGAGCATCTTAATAAGACCCCTGAGGCATCTGCCCATGTCTTTGG-3'
Protein context (NP_000245.2, residues 382-402): GSRKFAKLIM[Ala392Thr]GNYEEALCVA

ClinVar aggregate classification (germline): Uncertain significance (1 of 4 stars; one submission).

Conditions:
Methylcobalamin deficiency type cblG (HMAG). Also called: Functional methionine synthase deficiency type cblG; HOMOCYSTINURIA-MEGALOBLASTIC ANEMIA, cblG TYPE; HOMOCYSTINURIA-MEGALOBLASTIC ANEMIA, cblG COMPLEMENTATION TYPE; HOMOCYSTINURIA-MEGALOBLASTIC ANEMIA DUE TO DEFECT IN COBALAMIN METABOLISM, cblG COMPLEMENTATION TYPE. Identifiers: Orphanet 2170, Orphanet 622, MedGen C1855128, MONDO:0009609, OMIM 250940.

Submission:

Labcorp Genetics (formerly Invitae), Labcorp
Classification: Uncertain significance for Methylcobalamin deficiency type cblG. Last evaluated: 2022-11-01. Review status: criteria provided, single submitter. Criteria: Invitae Variant Classification Sherloc (09022015). Collection method: clinical testing. Allele origin: germline.
Comment: This sequence change replaces alanine, which is neutral and non-polar, with threonine, which is neutral and polar, at codon 392 of the MTR protein (p.Ala392Thr). This variant is not present in population databases (gnomAD no frequency). This variant has not been reported in the literature in individuals affected with MTR-related conditions. Advanced modeling of protein sequence and biophysical properties (such as structural, functional, and spatial information, amino acid conservation, physicochemical variation, residue mobility, and thermodynamic stability) performed at Invitae indicates that this missense variant is not expected to disrupt MTR protein function. In summary, the available evidence is currently insufficient to determine the role of this variant in disease. Therefore, it has been classified as a Variant of Uncertain Significance.